The following is an entry in ClinVar:

ClinVar aggregate classification (germline): Uncertain significance (1 of 4 stars; one submission).

Conditions:
Early-infantile DEE. Also called: Ohtahara syndrome; Early infantile epileptic encephalopathy; Early infantile epileptic encephalopathy with suppression bursts. Identifiers: Orphanet 1934, MedGen C0393706, MONDO:0800491.

Allele frequency attached by ClinVar (database versions not stated): TOPMed below 0.00001; gnomAD exomes below 0.00001.
gnomAD v4.1: 1 of 1,596,386 alleles (0.000063%); highest among the groups gnomAD compares: Non-Finnish European, 0.000085%; no homozygotes.

Submission:

Labcorp Genetics (formerly Invitae), Labcorp
Classification: Uncertain significance for Early-infantile DEE. Last evaluated: 2023-08-17. Review status: criteria provided, single submitter. Criteria: Invitae Variant Classification Sherloc (09022015). Collection method: clinical testing. Allele origin: germline.
Comment: This variant is present in population databases (no rsID available, gnomAD 0.0009%). This sequence change replaces threonine, which is neutral and polar, with proline, which is neutral and non-polar, at codon 653 of the KCNQ2 protein (p.Thr653Pro). This variant has not been reported in the literature in individuals affected with KCNQ2-related conditions. In summary, the available evidence is currently insufficient to determine the role of this variant in disease. Therefore, it has been classified as a Variant of Uncertain Significance. An algorithm developed to predict the effect of missense changes on protein structure and function (PolyPhen-2) suggests that this variant is likely to be disruptive.

NM_172107.4(KCNQ2):c.1957A>C (p.Thr653Pro)

Gene: KCNQ2 (potassium voltage-gated channel subfamily Q member 2; minus strand). Cytogenetic location: 20q13.33.
Variant type: single nucleotide variant.
Coding change: c.1957A>C on transcript NM_172107.4 (MANE Select); coding-DNA position 1957, A replaced by C.
Protein change: p.Thr653Pro; replaces threonine 653 with proline.
Molecular consequence: missense variant.
Genome position (GRCh38, 1-based): chr20:63,407,306, T>G on the plus strand (A>C on the coding strand, the complement: KCNQ2 is on the minus strand). VCF-style: chr20-63407306-T-G. GRCh37 (hg19) VCF-style: chr20-62038659-T-G.
Other names: c.2011A>C, p.Thr671Pro (NM_001382235.1); c.1873A>C, p.Thr625Pro (NM_004518.6); c.1903A>C, p.Thr635Pro (NM_172106.3); c.1864A>C, p.Thr622Pro (NM_172108.5); short protein forms T622P, T625P, T635P, T653P, T671P.
Identifiers: ClinVar variation 2753505 (VCV002753505.3), dbSNP rs1258611557, ClinGen allele CA409639341.
Genomic context (GRCh38, chr20:63,407,306, plus strand): 5'-GGCTGTGGTACGGCGGCGCCGGCTCCGGCTCTTTGGCCCCAAAGTAGGCCTCGGTCTCTG[T>G]CGGGGGGATGCCCATCCGCTGCATGTAGATATTCACCAGGAAGTCCAGCTTCTTCTCCAT-3'
Protein context (NP_742105.1, residues 643-663): IYMQRMGIPP[Thr653Pro]ETEAYFGAKE